The following is an entry in ClinVar:

NM_020778.5(ALPK3):c.2276C>T (p.Thr759Ile)

Gene: ALPK3 (alpha kinase 3; plus strand). Cytogenetic location: 15q25.3.
Variant type: single nucleotide variant.
Coding change: c.2276C>T on transcript NM_020778.5 (MANE Select); coding-DNA position 2276, C replaced by T.
Protein change: p.Thr759Ile; replaces threonine 759 with isoleucine.
Molecular consequence: missense variant.
Genome position (GRCh38, 1-based): chr15:84,857,014, C>T. VCF-style: chr15-84857014-C-T. GRCh37 (hg19) VCF-style: chr15-85400245-C-T.
Other names: short protein forms T759I.
Identifiers: ClinVar variation 5008813 (VCV005008813.1).

ClinVar aggregate classification (germline): Uncertain significance (1 of 4 stars; one submission).

gnomAD v4.1: 3 of 1,614,012 alleles (0.00019%); highest among the groups gnomAD compares: African/African-American, 0.004%; no homozygotes.

Submission:

GeneDx
Classification: Uncertain significance. Last evaluated: 2026-03-10. Review status: criteria provided, single submitter. Criteria: GeneDx Variant Classification Process June 2021. Collection method: clinical testing. Allele origin: germline.
Comment: Not observed at significant frequency in large population cohorts (gnomAD); In silico analysis suggests that this missense variant does not alter protein structure/function; Has not been previously published as pathogenic or benign to our knowledge